The following is an entry in ClinVar:

ClinVar aggregate classification (germline): Uncertain significance (1 of 4 stars; one submission).

Submission:

Labcorp Genetics (formerly Invitae), Labcorp
Classification: Uncertain significance. Last evaluated: 2022-04-06. Review status: criteria provided, single submitter. Criteria: Invitae Variant Classification Sherloc (09022015). Collection method: clinical testing. Allele origin: germline.
Comment: A copy number gain of the genomic region encompassing the full coding sequence of the CRIPT gene has been identified. The boundaries of this event are unknown as they extend beyond the assayed region for this gene and therefore may encompass additional genes. As the precise location of this event is unknown, it may be in tandem or it may be located elsewhere in the genome. This variant has not been reported in the literature in individuals affected with CRIPT-related conditions. In summary, the available evidence is currently insufficient to determine the role of this variant in disease. Therefore, it has been classified as a Variant of Uncertain Significance.

NC_000002.11:g.(?_46525051)_(46851366_?)dup

Genes: ATP6V1E2 (ATPase H+ transporting V1 subunit E2; minus strand), CRIPT (CXXC repeat containing interactor of PDZ3 domain; plus strand), EPAS1 (endothelial PAS domain protein 1; plus strand), PIGF (phosphatidylinositol glycan anchor biosynthesis class F; minus strand), RHOQ (ras homolog family member Q; plus strand) and 1 more. Cytogenetic location: 2p21.
Variant type: Duplication.
Identifiers: ClinVar variation 2425909 (VCV002425909.3).